The following is an entry in ClinVar:

ClinVar aggregate classification (germline): Uncertain significance (1 of 4 stars; one submission).

Conditions:
Fanconi anemia (FA). Also called: Fanconi's anemia. Identifiers: Orphanet 84, MedGen C0015625, MeSH D005199, MONDO:0019391.

Submission:

Labcorp Genetics (formerly Invitae), Labcorp
Classification: Uncertain significance for Fanconi anemia. Last evaluated: 2024-12-12. Review status: criteria provided, single submitter. Criteria: Invitae Variant Classification Sherloc (09022015). Collection method: clinical testing. Allele origin: germline.
Comment: This variant, c.1027_1032del, results in the deletion of 2 amino acid(s) of the FANCB protein (p.Leu343_Leu344del), but otherwise preserves the integrity of the reading frame. This variant is not present in population databases (gnomAD no frequency). This variant has not been reported in the literature in individuals affected with FANCB-related conditions. Experimental studies and prediction algorithms are not available or were not evaluated, and the functional significance of this variant is currently unknown. In summary, the available evidence is currently insufficient to determine the role of this variant in disease. Therefore, it has been classified as a Variant of Uncertain Significance.

NM_001018113.3(FANCB):c.1027_1032del (p.Leu343_Leu344del)

Gene: FANCB (FA complementation group B; minus strand). Cytogenetic location: Xp22.2.
Variant type: Deletion.
Coding change: c.1027_1032del on transcript NM_001018113.3 (MANE Select); coding-DNA positions 1027 to 1032, 6 bases deleted (CTACTT; older notation c.1027_1032delCTACTT).
Protein change: p.Leu343_Leu344del.
Genome position (GRCh38, 1-based): chrX:14,859,254-14,859,259, AAGTAG deleted on the plus strand (CTACTT on the coding strand, the reverse complement: FANCB is on the minus strand). VCF-style (leftmost placement, unchanged base first): chrX-14859253-AAAGTAG-A. GRCh37 (hg19) VCF-style: chrX-14877375-AAAGTAG-A.
Other names: c.1027_1032del, p.Leu343_Leu344del (NM_001324162.2, NM_001410764.1, NM_152633.4).
Identifiers: ClinVar variation 3727201 (VCV003727201.2).